The following is an entry in ClinVar:

ClinVar aggregate classification (germline): Likely benign. Review status: criteria provided, multiple submitters, no conflicts (2 of 4 stars). 2 submissions from 2 submitters: Likely benign (2). Last evaluated 2024-06-21.

Conditions:
RYR1-related disorder. Also called: RYR1-related condition; RYR1-related disorders. Identifiers: MedGen CN239331.

Submissions (2):

Labcorp Genetics (formerly Invitae), Labcorp
Classification: Likely benign for RYR1-related disorder. Last evaluated: 2024-06-21. Review status: criteria provided, single submitter. Criteria: Invitae Variant Classification Sherloc (09022015). Collection method: clinical testing. Allele origin: germline.

GeneDx
Classification: Likely benign. Last evaluated: 2017-04-10. Review status: criteria provided, single submitter. Criteria: GeneDx Variant Classification (06012015). Collection method: clinical testing. Allele origin: germline. Affected: yes.
Comment: This variant is considered likely benign or benign based on one or more of the following criteria: it is a conservative change, it occurs at a poorly conserved position in the protein, it is predicted to be benign by multiple in silico algorithms, and/or has population frequency not consistent with disease.

NM_000540.3(RYR1):c.14130-19TC[8]

Gene: RYR1 (ryanodine receptor 1; plus strand). Cytogenetic location: 19q13.2.
Variant type: Microsatellite.
Coding change: c.14130-19TC[8] on transcript NM_000540.3 (MANE Select); eight copies in a row of the 2-base unit TC starting at c.14130-19.
Molecular consequence: intron variant.
Genome position: GRCh38 VCF-style: chr19-38575899-T-TTC. GRCh37 (hg19) VCF-style: chr19-39066539-T-TTC.
Other names: c.14115-19TC[8] (NM_001042723.2); c.14130-6_14130-5dupCT (NM_000540.2).
Identifiers: ClinVar variation 506530 (VCV000506530.5), dbSNP rs750824483, ClinGen allele CA9415951.
Genomic context (GRCh38, chr19:38,575,899, plus strand): 5'-CCAACCCTGTCGTGGCTGACAGCTCTGATCCCTCTGGCCCTAACATCTTATACTCACGCT[T>TTC]TCTCTCTCTCTCTCTGCAGGTCTTTCCCTAGCAACTACTGGGACAAGTTTGTCAAGCGCA-3'